The following is an entry in ClinVar:

ClinVar aggregate classification (germline): Uncertain significance. Review status: criteria provided, multiple submitters, no conflicts (2 of 4 stars). 2 submissions from 2 submitters: Uncertain significance (2). Last evaluated 2026-01-22.

Allele frequency attached by ClinVar (database versions not stated): gnomAD 0.00002; gnomAD exomes 0.00002; ExAC 0.00007; TOPMed 0.00002.

Submissions (2):

Women's Health and Genetics/Laboratory Corporation of America, LabCorp
Classification: Uncertain significance. Last evaluated: 2026-01-22. Review status: criteria provided, single submitter. Criteria: LabCorp Variant Classification Summary - May 2015. Collection method: clinical testing. Allele origin: germline.

Labcorp Genetics (formerly Invitae), Labcorp
Classification: Uncertain significance. Last evaluated: 2025-11-24. Review status: criteria provided, single submitter. Criteria: Invitae Variant Classification Sherloc (09022015). Collection method: clinical testing. Allele origin: germline.
Comment: This sequence change affects codon 486 of the ARHGEF1 mRNA. It is a 'silent' change, meaning that it does not change the encoded amino acid sequence of the ARHGEF1 protein. It affects a nucleotide within the consensus splice site. This variant is present in population databases (rs781829842, gnomAD 0.02%). This variant has not been reported in the literature in individuals affected with ARHGEF1-related conditions. ClinVar contains an entry for this variant (Variation ID: 2958732). Algorithms developed to predict the effect of sequence changes on RNA splicing suggest that this variant is not likely to affect RNA splicing. In summary, the available evidence is currently insufficient to determine the role of this variant in disease. Therefore, it has been classified as a Variant of Uncertain Significance.

NM_004706.4(ARHGEF1):c.1413T>C (p.His471=)

Gene: ARHGEF1 (Rho guanine nucleotide exchange factor 1; plus strand). Cytogenetic location: 19q13.2.
Variant type: single nucleotide variant.
Coding change: c.1413T>C on transcript NM_004706.4 (MANE Select); coding-DNA position 1413, T replaced by C.
Protein change: p.His471=; no amino-acid change (histidine 471 retained).
Molecular consequence: synonymous variant. On other transcripts: non-coding transcript variant (1).
Genome position (GRCh38, 1-based): chr19:41,902,032, T>C. VCF-style: chr19-41902032-T-C. GRCh37 (hg19) VCF-style: chr19-42406182-T-C.
Other names: c.1458T>C, p.His486= (NM_199002.2); c.1581T>C, p.His527= (NM_001396000.1); c.1314T>C, p.His438= (NM_001396002.1, NM_001396004.1, NM_198977.2); c.1413T>C, p.His471= (NM_001396003.1, NM_001396006.1).
Identifiers: ClinVar variation 2958732 (VCV002958732.4), dbSNP rs781829842, ClinGen allele CA9466348.